The following is an entry in ClinVar:

NM_000191.3(HMGCL):c.874dup (p.Thr292fs)

Gene: HMGCL (3-hydroxy-3-methylglutaryl-CoA lyase; minus strand). Cytogenetic location: 1p36.11.
Variant type: Duplication.
Coding change: c.874dup on transcript NM_000191.3 (MANE Select); coding-DNA position 874, one base duplicated (A; older notation c.874dupA).
Protein change: p.Thr292fs; shifts the reading frame from threonine 292.
Molecular consequence: frameshift variant.
Genome position (GRCh38, 1-based): chr1:23,804,402, T duplicated on the plus strand (A on the coding strand, the reverse complement: HMGCL is on the minus strand). VCF-style (leftmost placement, unchanged base first): chr1-23804401-G-GT. GRCh37 (hg19) VCF-style: chr1-24130891-G-GT.
Other names: c.661dup, p.Thr221fs (NM_001166059.2); short protein forms T292fs, T221fs.
Identifiers: ClinVar variation 2827065 (VCV002827065.3), dbSNP rs2521380983, ClinGen allele CA2739272423.

ClinVar aggregate classification (germline): Pathogenic (1 of 4 stars; one submission).

Conditions:
Deficiency of hydroxymethylglutaryl-CoA lyase (HMGCLD). Also called: HMG-CoA LYASE DEFICIENCY; HMGCL DEFICIENCY; HYDROXYMETHYLGLUTARIC ACIDURIA; Defect in leucine metabolism; 3-hydroxy-3-methylglutaric aciduria. Identifiers: Orphanet 20, MedGen C1533587, MONDO:0009520, OMIM 246450.

Submission:

Labcorp Genetics (formerly Invitae), Labcorp
Classification: Pathogenic for Deficiency of hydroxymethylglutaryl-CoA lyase. Last evaluated: 2023-01-08. Review status: criteria provided, single submitter. Criteria: Invitae Variant Classification Sherloc (09022015). Collection method: clinical testing. Allele origin: germline.
Comment: This sequence change creates a premature translational stop signal (p.Thr292Asnfs*24) in the HMGCL gene. While this is not anticipated to result in nonsense mediated decay, it is expected to disrupt the last 34 amino acid(s) of the HMGCL protein. This variant is not present in population databases (gnomAD no frequency). This variant has not been reported in the literature in individuals affected with HMGCL-related conditions. For these reasons, this variant has been classified as Pathogenic. This variant disrupts a region of the HMGCL protein in which other variant(s) (p.Phe305Tyrfs*10) have been determined to be pathogenic (PMID: 2443756, 6085636, 9463337). This suggests that this is a clinically significant region of the protein, and that variants that disrupt it are likely to be disease-causing.

Literature cited by the submitters: PubMed 2443756; PubMed 6085636; PubMed 9463337.